The following is an entry in ClinVar:

ClinVar aggregate classification (germline): Uncertain significance. Review status: criteria provided, single submitter (1 of 4 stars). 2 submissions from 2 submitters: Uncertain significance (1). 1 of the submissions does not count toward it. Last evaluated 2022-10-28.

Conditions:
Zellweger spectrum disorders (ZS). Also called: Zellweger Spectrum Disorder; Zellweger Spectrum; Zellweger syndrome; Zellweger Spectrum Disorder (ZSD). Identifiers: Orphanet 912, MedGen C0043459, MONDO:0019609.
Peroxisome biogenesis disorder. Identifiers: Orphanet 79189, MedGen C1832200, MONDO:0019234. Disease mechanism: loss of function.

Allele frequency attached by ClinVar (database versions not stated): ExAC below 0.00001; gnomAD exomes 0.00001.

Submissions (2):

Labcorp Genetics (formerly Invitae), Labcorp
Classification: Uncertain significance for Peroxisome biogenesis disorder. Last evaluated: 2022-10-28. Review status: criteria provided, single submitter. Criteria: Invitae Variant Classification Sherloc (09022015). Collection method: clinical testing. Allele origin: germline.
Comment: Algorithms developed to predict the effect of missense changes on protein structure and function are either unavailable or do not agree on the potential impact of this missense change (SIFT: "Tolerated"; PolyPhen-2: "Probably Damaging"; Align-GVGD: "Class C0"). In summary, the available evidence is currently insufficient to determine the role of this variant in disease. Therefore, it has been classified as a Variant of Uncertain Significance. ClinVar contains an entry for this variant (Variation ID: 661400). This sequence change replaces glycine, which is neutral and non-polar, with serine, which is neutral and polar, at codon 68 of the PEX6 protein (p.Gly68Ser). This variant is present in population databases (rs752644254, gnomAD 0.003%). This variant has not been reported in the literature in individuals affected with PEX6-related conditions.

Natera, Inc.
Classification: Uncertain significance for Zellweger syndrome. Last evaluated: 2020-01-17. Review status: no assertion criteria provided. Collection method: clinical testing. Allele origin: germline. Not counted in ClinVar's aggregate classification.

NM_000287.4(PEX6):c.202G>A (p.Gly68Ser)

Gene: PEX6 (peroxisomal biogenesis factor 6; minus strand). Cytogenetic location: 6p21.1.
Variant type: single nucleotide variant.
Coding change: c.202G>A on transcript NM_000287.4 (MANE Select); coding-DNA position 202, G replaced by A.
Protein change: p.Gly68Ser; replaces glycine 68 with serine.
Molecular consequence: missense variant. On other transcripts: non-coding transcript variant (1).
Genome position (GRCh38, 1-based): chr6:42,978,949, C>T on the plus strand (G>A on the coding strand, the complement: PEX6 is on the minus strand). VCF-style: chr6-42978949-C-T. GRCh37 (hg19) VCF-style: chr6-42946687-C-T.
Other names: c.202G>A, p.Gly68Ser (NM_001316313.2); short protein forms G68S.
Identifiers: ClinVar variation 661400 (VCV000661400.6), dbSNP rs752644254, ClinGen allele CA3811643.
Genomic context (GRCh38, chr6:42,978,949, plus strand): 5'-AGCCCAGTGCCAGGAGCCGCAGCAGCGCGCGGCTAACCAGTAGCTGCGGCGGCCCGGGAC[C>T]CTGCTCTTCGGTGCCCGCGTCCGGCCCCTCCAGGGCTGCCACCAGCAGCGCCGGCCCTGC-3'
Protein context (NP_000278.3, residues 58-78): EGPDAGTEEQ[Gly68Ser]PGPPQLLVSR